The following is an entry in ClinVar:

ClinVar aggregate classification (germline): Uncertain significance. Review status: criteria provided, multiple submitters, no conflicts (2 of 4 stars). 2 submissions from 2 submitters: Uncertain significance (2). Last evaluated 2025-04-10.

Submissions (2):

Ambry Genetics
Classification: Uncertain significance. Last evaluated: 2025-04-10. Review status: criteria provided, single submitter. Criteria: Ambry Variant Classification Scheme 2023. Collection method: clinical testing. Allele origin: germline.

Labcorp Genetics (formerly Invitae), Labcorp
Classification: Uncertain significance. Last evaluated: 2021-12-30. Review status: criteria provided, single submitter. Criteria: Invitae Variant Classification Sherloc (09022015). Collection method: clinical testing. Allele origin: germline.
Comment: Algorithms developed to predict the effect of missense changes on protein structure and function (SIFT, PolyPhen-2, Align-GVGD) all suggest that this variant is likely to be tolerated. ClinVar contains an entry for this variant (Variation ID: 1037302). This variant has not been reported in the literature in individuals affected with SLC7A14-related conditions. This variant is not present in population databases (gnomAD no frequency). This sequence change replaces isoleucine, which is neutral and non-polar, with asparagine, which is neutral and polar, at codon 567 of the SLC7A14 protein (p.Ile567Asn). In summary, the available evidence is currently insufficient to determine the role of this variant in disease. Therefore, it has been classified as a Variant of Uncertain Significance.

NM_020949.3(SLC7A14):c.1700T>A (p.Ile567Asn)

Genes: SLC7A14 (solute carrier family 7 member 14; minus strand), SLC7A14-AS1 (SLC7A14 antisense RNA 1; plus strand). Cytogenetic location: 3q26.2.
Variant type: single nucleotide variant.
Coding change: c.1700T>A on transcript NM_020949.3 (MANE Select); coding-DNA position 1700, T replaced by A.
Protein change: p.Ile567Asn; replaces isoleucine 567 with asparagine.
Molecular consequence: missense variant.
Genome position (GRCh38, 1-based): chr3:170,480,582, A>T on the plus strand (T>A on the coding strand, the complement: SLC7A14 is on the minus strand). VCF-style: chr3-170480582-A-T. GRCh37 (hg19) VCF-style: chr3-170198371-A-T.
Other names: c.1700T>A (NM_020949.2); short protein forms I567N.
Identifiers: ClinVar variation 1037302 (VCV001037302.9), dbSNP rs915581616, ClinGen allele CA87709858.